The following is an entry in ClinVar:

NM_005591.4(MRE11):c.358A>G (p.Ile120Val)

Gene: MRE11 (MRE11 double strand break repair nuclease; minus strand). Cytogenetic location: 11q21.
Variant type: single nucleotide variant.
Coding change: c.358A>G on transcript NM_005591.4 (MANE Select); coding-DNA position 358, A replaced by G.
Protein change: p.Ile120Val; replaces isoleucine 120 with valine.
Molecular consequence: missense variant.
Genome position (GRCh38, 1-based): chr11:94,479,718, T>C on the plus strand (A>G on the coding strand, the complement: MRE11 is on the minus strand). VCF-style: chr11-94479718-T-C. GRCh37 (hg19) VCF-style: chr11-94212884-T-C.
Other names: c.358A>G, p.Ile120Val (NM_001330347.2, NM_005590.4); short protein forms I120V.
Identifiers: ClinVar variation 186412 (VCV000186412.17), dbSNP rs372131911, ClinGen allele CA194747.

ClinVar aggregate classification (germline): Uncertain significance. Review status: criteria provided, multiple submitters, no conflicts (2 of 4 stars). 6 submissions from 6 submitters: Uncertain significance (6). Last evaluated 2025-10-13.

Conditions:
Ataxia-telangiectasia-like disorder (ATLD). Identifiers: MedGen C1858391, MONDO:0011457.
Hereditary cancer-predisposing syndrome. Also called: Neoplastic Syndromes, Hereditary; Tumor predisposition; Hereditary Cancer Syndrome; Hereditary neoplastic syndrome. Identifiers: Orphanet 140162, MedGen C0027672, MeSH D009386, MONDO:0015356.
Ataxia-telangiectasia-like disorder 1 (ATLD1). Identifiers: Orphanet 251347, MedGen C4012790, MONDO:0024557, OMIM 604391.

Allele frequency attached by ClinVar (database versions not stated): gnomAD exomes 0.00004; TOPMed 0.00004; gnomAD 0.00006 and 0.00007; ESP Exome Variant Server 0.00008; 1000 Genomes Project 30x 0.00016; 1000 Genomes Project 0.00020.
gnomAD v4.1: 72 of 1,613,148 alleles (0.0045%); highest among the groups gnomAD compares: Middle Eastern, 0.017%; 1 homozygote.

Submissions (6):

Labcorp Genetics (formerly Invitae), Labcorp
Classification: Uncertain significance for Ataxia-telangiectasia-like disorder. Last evaluated: 2025-10-13. Review status: criteria provided, single submitter. Criteria: Invitae Variant Classification Sherloc (09022015). Collection method: clinical testing. Allele origin: germline.
Comment: This sequence change replaces isoleucine, which is neutral and non-polar, with valine, which is neutral and non-polar, at codon 120 of the MRE11 protein (p.Ile120Val). This variant is present in population databases (rs372131911, gnomAD 0.01%). This missense change has been observed in individual(s) with breast and colorectal cancers (PMID: 31273614, 32658311). ClinVar contains an entry for this variant (Variation ID: 186412). An algorithm developed to predict the effect of missense changes on protein structure and function (PolyPhen-2) suggests that this variant is likely to be tolerated. In summary, the available evidence is currently insufficient to determine the role of this variant in disease. Therefore, it has been classified as a Variant of Uncertain Significance.

Quest Diagnostics Nichols Institute San Juan Capistrano
Classification: Uncertain significance. Last evaluated: 2025-05-07. Review status: criteria provided, single submitter. Criteria: Quest Diagnostics criteria. Collection method: clinical testing. Allele origin: unknown.

Ambry Genetics
Classification: Uncertain significance for Hereditary cancer-predisposing syndrome. Last evaluated: 2024-11-11. Review status: criteria provided, single submitter. Criteria: Ambry Variant Classification Scheme 2023. Collection method: clinical testing. Allele origin: germline.
Comment: The p.I120V variant (also known as c.358A>G), located in coding exon 4 of the MRE11A gene, results from an A to G substitution at nucleotide position 358. The isoleucine at codon 120 is replaced by valine, an amino acid with highly similar properties. This alteration has been reported in 1/1197 individuals from Greece, Romania, and Turkey undergoing evaluation for inherited cancer predisposition (Tsaousis GN et al. BMC Cancer, 2019 Jun;19:535). This alteration has been also reported in an individual diagnosed with breast cancer (Gervas P et al. Mol Biol Rep, 2019 Oct;46:5537-5541). This amino acid position is well conserved in available vertebrate species. In addition, this alteration is predicted to be tolerated by in silico analysis. Based on the available evidence, the clinical significance of this variant remains unclear.

Baylor Genetics
Classification: Uncertain significance for Ataxia-telangiectasia-like disorder 1. Last evaluated: 2024-01-22. Review status: criteria provided, single submitter. Criteria: ACMG Guidelines, 2015. Collection method: clinical testing. Allele origin: unknown.

Women's Health and Genetics/Laboratory Corporation of America, LabCorp
Classification: Uncertain significance. Last evaluated: 2023-01-23. Review status: criteria provided, single submitter. Criteria: LabCorp Variant Classification Summary - May 2015. Collection method: clinical testing. Allele origin: germline.
Comment: Variant summary: MRE11 c.358A>G (p.Ile120Val) results in a conservative amino acid change located in the Calcineurin-like phosphoesterase domain, ApaH type domain of the encoded protein sequence. Three of five in-silico tools predict a benign effect of the variant on protein function. The variant allele was found at a frequency of 5.6e-05 in 250120 control chromosomes. This frequency is not significantly higher than expected for a pathogenic variant in MRE11 causing Hereditary Breast And Ovarian Cancer Syndrome (5.6e-05 vs 6.3e-05), however these values do not account for pseudogene interference, allowing no conclusion about variant significance. c.358A>G has been reported in the literature in individuals both affected with Breast Cancer (Gervas_2019, Akcay_2020) and in healthy controls (Akcay_2020). These report(s) do not provide unequivocal conclusions about association of the variant with Hereditary Breast And Ovarian Cancer Syndrome. To our knowledge, no experimental evidence demonstrating an impact on protein function has been reported. Three clinical diagnostic laboratories have submitted clinical-significance assessments for this variant to ClinVar after 2014 without evidence for independent evaluation. All laboratories classified the variant as uncertain significance. Based on the evidence outlined above, the variant was classified as uncertain significance.

GeneKor MSA
Classification: Uncertain significance for Hereditary cancer-predisposing syndrome. Last evaluated: 2018-08-01. Review status: criteria provided, single submitter. Criteria: ACMG Guidelines, 2015. Collection method: clinical testing. Allele origin: germline. Affected: yes.

Literature cited by the submitters: PubMed 31273614 (cited by 3 submitters); PubMed 32658311 (cited by Labcorp Genetics (formerly Invitae), Labcorp and Women's Health and Genetics/Laboratory Corporation of America, LabCorp); PubMed 31159747 (cited by Ambry Genetics and Women's Health and Genetics/Laboratory Corporation of America, LabCorp); PubMed 35089076 (cited by Women's Health and Genetics/Laboratory Corporation of America, LabCorp); PubMed 33510186 (cited by Women's Health and Genetics/Laboratory Corporation of America, LabCorp).